The following is an entry in ClinVar:

NM_000038.6(APC):c.385G>C (p.Glu129Gln)

Gene: APC (APC regulator of Wnt signaling pathway; plus strand). Cytogenetic location: 5q22.2.
Variant type: single nucleotide variant.
Coding change: c.385G>C on transcript NM_000038.6 (MANE Select); coding-DNA position 385, G replaced by C.
Protein change: p.Glu129Gln; replaces glutamic acid 129 with glutamine.
Molecular consequence: missense variant. On other transcripts: 5 prime UTR variant (1).
Genome position (GRCh38, 1-based): chr5:112,767,353, G>C. VCF-style: chr5-112767353-G-C. GRCh37 (hg19) VCF-style: chr5-112103050-G-C.
Other names: c.385G>C, p.Glu129Gln (NM_001127510.3, NM_001354895.2, NM_001354896.2 and 2 more transcripts); c.415G>C, p.Glu139Gln (NM_001127511.3, NM_001354897.2, NM_001354902.2); c.310G>C, p.Glu104Gln (NM_001354898.2, NM_001354904.2); c.208G>C, p.Glu70Gln (NM_001354900.2, NM_001354901.2, NM_001354905.2); c.-651G>C (NM_001354906.2); short protein forms E129Q, E139Q, E70Q, E104Q.
Identifiers: ClinVar variation 133539 (VCV000133539.37), dbSNP rs376628500, ClinGen allele CA008713.
Genomic context (GRCh38, chr5:112,767,353, plus strand): 5'-GAGTGCAGTCCTGTTCCTATGGGTTCATTTCCAAGAAGAGGGTTTGTAAATGGAAGCAGA[G>C]AAAGTACTGGATATTTAGAAGAACTTGAGAAAGAGAGGTAACTTTTCTTCATATAGTAAA-3'
Protein context (NP_000029.2, residues 119-139): PRRGFVNGSR[Glu129Gln]STGYLEELEK

ClinVar aggregate classification (germline): Conflicting classifications of pathogenicity. Review status: criteria provided, conflicting classifications (1 of 4 stars). 16 submissions from 16 submitters: Uncertain significance (1); Benign (2); Likely benign (8). 5 of the submissions do not count toward it. Last evaluated 2026-01-24.

Conditions:
Familial adenomatous polyposis 1 (FAP1). Also called: FAMILIAL ADENOMATOUS POLYPOSIS 1, ATTENUATED; POLYPOSIS, ADENOMATOUS INTESTINAL. Identifiers: MedGen C2713442, MONDO:0021056, OMIM 175100. Disease mechanism: loss of function.
APC-related disorder. Also called: APC-related condition.
Hereditary cancer-predisposing syndrome. Also called: Tumor predisposition; Hereditary neoplastic syndrome; Neoplastic Syndromes, Hereditary; Hereditary Cancer Syndrome. Identifiers: Orphanet 140162, MedGen C0027672, MeSH D009386, MONDO:0015356.
Desmoid disease, hereditary (DESMD). Also called: FIBROMATOSIS, FAMILIAL INFILTRATIVE. Identifiers: Orphanet 873, MedGen C1851124, OMIM 135290. Disease mechanism: loss of function.

Allele frequency attached by ClinVar (database versions not stated): gnomAD exomes 0.00002 and 0.00008; TOPMed 0.00002; gnomAD 0.00003 and 0.00005; ExAC 0.00005; 1000 Genomes Project 0.00020; 1000 Genomes Project 30x 0.00031.
gnomAD v4.1: 61 of 1,614,130 alleles (0.0038%); highest among the groups gnomAD compares: East Asian, 0.027%; no homozygotes.

Submissions (16):

Labcorp Genetics (formerly Invitae), Labcorp
Classification: Benign for Familial adenomatous polyposis 1. Last evaluated: 2026-01-24. Review status: criteria provided, single submitter. Criteria: Invitae Variant Classification Sherloc (09022015). Collection method: clinical testing. Allele origin: germline.

Institute for Biomarker Research, Medical Diagnostic Laboratories, L.L.C.
Classification: Benign for Hereditary cancer-predisposing syndrome. Last evaluated: 2025-08-27. Review status: criteria provided, single submitter. Criteria: ACMG Guidelines, 2015. Collection method: clinical testing. Allele origin: germline.
Comment: The p.Glu129Gln variant is observed in 12/18,392 (0.0652%) alleles from individuals of gnomAD East Asian background in gnomAD, which is greater than expected for the disorder. There is a small physicochemical difference between glutamic acid and glutamine, which is not likely to impact secondary protein structure as these residues share similar properties. The nucleotide c.385 in APC is predicted conserved by GERP++ and PhyloP across 100 vertebrates. For these reasons, this variant has been classified as Benign.

Quest Diagnostics Nichols Institute San Juan Capistrano
Classification: Likely benign. Last evaluated: 2025-07-11. Review status: criteria provided, single submitter. Criteria: Quest Diagnostics criteria. Collection method: clinical testing. Allele origin: unknown.

Center for Genomic Medicine, Rigshospitalet, Copenhagen University Hospital
Classification: Likely benign. Last evaluated: 2025-03-04. Review status: criteria provided, single submitter. Criteria: ACMG Guidelines, 2015. Collection method: clinical testing. Allele origin: germline.

Women's Health and Genetics/Laboratory Corporation of America, LabCorp
Classification: Likely benign. Last evaluated: 2024-07-08. Review status: criteria provided, single submitter. Criteria: LabCorp Variant Classification Summary - May 2015. Collection method: clinical testing. Allele origin: germline.
Comment: Variant summary: APC c.385G>C (p.Glu129Gln) results in a conservative amino acid change in the encoded protein sequence. Three of five in-silico tools predict a damaging effect of the variant on protein function. The variant allele was found at a frequency of 9.1e-05 in 252804 control chromosomes (gnomAD and Bodian_2014). The observed variant frequency is approximately 1 fold of the estimated maximal expected allele frequency for a pathogenic variant in APC causing Familial Adenomatous Polyposis phenotype (7.1e-05). c.385G>C has been reported in the literature in individuals affected with Familial Adenomatous Polyposis, without strong evidence for causality (Chan_2018). These report(s) do not provide unequivocal conclusions about association of the variant with Familial Adenomatous Polyposis. To our knowledge, no experimental evidence demonstrating an impact on protein function has been reported. The following publications have been ascertained in the context of this evaluation (PMID: 24728327, 30093976). ClinVar contains an entry for this variant (Variation ID: 133539). Based on the evidence outlined above, the variant was classified as likely benign.

Myriad Genetics, Inc.
Classification: Likely benign for Familial adenomatous polyposis 1. Last evaluated: 2023-02-21. Review status: criteria provided, single submitter. Criteria: Myriad Autosomal Dominant, Autosomal Recessive and X-Linked Classification Criteria (2023). Collection method: clinical testing. Allele origin: unknown.
Comment: This variant is considered likely benign. This variant has been observed at a population frequency that is significantly greater than expected given the associated disease prevalence and penetrance.

Sema4
Classification: Likely benign for Hereditary cancer-predisposing syndrome. Last evaluated: 2022-01-06. Review status: criteria provided, single submitter. Criteria: Sema4 Curation Guidelines. Collection method: curation. Allele origin: germline.

Department of Pathology and Laboratory Medicine, Sinai Health System
Classification: Uncertain significance for Familial adenomatous polyposis 1; Desmoid disease, hereditary. Last evaluated: 2021-03-25. Review status: criteria provided, single submitter. Criteria: ACMG Guidelines, 2015. Collection method: clinical testing. Allele origin: germline. Affected: yes.

Color Diagnostics, LLC DBA Color Health
Classification: Likely benign for Hereditary cancer-predisposing syndrome. Last evaluated: 2020-04-07. Review status: criteria provided, single submitter. Criteria: ACMG Guidelines, 2015. Collection method: clinical testing. Allele origin: germline.

Ambry Genetics
Classification: Likely benign for Hereditary cancer-predisposing syndrome. Last evaluated: 2019-11-18. Review status: criteria provided, single submitter. Criteria: Ambry Variant Classification Scheme 2023. Collection method: clinical testing. Allele origin: germline.

GeneDx
Classification: Likely benign. Last evaluated: 2019-05-29. Review status: criteria provided, single submitter. Criteria: GeneDx Variant Classification Process June 2021. Collection method: clinical testing. Allele origin: germline. Affected: yes.
Comment: This variant is associated with the following publications: (PMID: 24728327, 28615371, 29753010, 30093976)

PreventionGenetics, part of Exact Sciences
Classification: Likely benign for APC-related condition. Last evaluated: 2024-05-16. Review status: no assertion criteria provided. Collection method: clinical testing. Allele origin: germline. Not counted in ClinVar's aggregate classification.
Comment: This variant is classified as likely benign based on ACMG/AMP sequence variant interpretation guidelines (Richards et al. 2015 PMID: 25741868, with internal and published modifications).

Counsyl
Classification: Uncertain significance for Familial adenomatous polyposis 1. Last evaluated: 2016-09-26. Review status: no assertion criteria provided. Collection method: clinical testing. Allele origin: unknown. Not counted in ClinVar's aggregate classification.

ITMI
No classification provided. Condition: AllHighlyPenetrant. Last evaluated: 2013-09-19. Review status: no classification provided. Collection method: reference population. Allele origin: germline. Not counted in ClinVar's aggregate classification.
Comment: Please see associated publication for description of ethnicities

Clinical Genetics, Academic Medical Center
Classification: Likely benign. Review status: no assertion criteria provided. Collection method: clinical testing. Allele origin: germline. Affected: yes. Study: VKGL Data-share Consensus. Not counted in ClinVar's aggregate classification.

Laboratory of Diagnostic Genome Analysis, Leiden University Medical Center (LUMC)
Classification: Likely benign. Review status: no assertion criteria provided. Collection method: clinical testing. Allele origin: germline. Affected: yes. Study: VKGL Data-share Consensus. Not counted in ClinVar's aggregate classification.

Literature cited by the submitters: PubMed 32068069 (cited by Quest Diagnostics Nichols Institute San Juan Capistrano and Sema4); PubMed 31703593 (cited by Quest Diagnostics Nichols Institute San Juan Capistrano); PubMed 24728327 (cited by 3 submitters); PubMed 30093976 (cited by 5 submitters); PubMed 34388351 (cited by Sema4).